The following is an entry in ClinVar:

ClinVar aggregate classification (germline): Likely pathogenic (1 of 4 stars; one submission).

Conditions:
Holocarboxylase synthetase deficiency. Also called: MULTIPLE CARBOXYLASE DEFICIENCY, EARLY ONSET. Identifiers: Orphanet 79242, MedGen C0268581, MONDO:0009666, OMIM 253270.

Submission:

Myriad Genetics, Inc.
Classification: Likely pathogenic for Holocarboxylase synthetase deficiency. Last evaluated: 2019-12-15. Review status: criteria provided, single submitter. Criteria: Myriad Women's Health Autosomal Recessive and X-Linked Classification Criteria (2019). Collection method: clinical testing. Allele origin: unknown.
Comment: NM_000411.6(HLCS):c.1516A>T(K506*) is expected to be pathogenic in the context of holocarboxylase synthetase deficiency. This variant is predicted to lead to an abnormal or absent protein product due to the creation of a premature termination codon in HLCS, a gene where loss-of-function variants are known to be pathogenic. Please note: this variant was assessed in the context of healthy population screening.

NM_001352514.2(HLCS):c.1957A>T (p.Lys653Ter)

Gene: HLCS (holocarboxylase synthetase; minus strand). Cytogenetic location: 21q22.13.
Variant type: single nucleotide variant.
Coding change: c.1957A>T on transcript NM_001352514.2 (MANE Select); coding-DNA position 1957, A replaced by T.
Protein change: p.Lys653Ter; replaces lysine 653 with a stop codon.
Molecular consequence: nonsense. On other transcripts: non-coding transcript variant (2).
Genome position (GRCh38, 1-based): chr21:36,767,221, T>A on the plus strand (A>T on the coding strand, the complement: HLCS is on the minus strand). VCF-style: chr21-36767221-T-A. GRCh37 (hg19) VCF-style: chr21-38139522-T-A.
Other names: c.1516A>T, p.Lys506Ter (NM_000411.8, NM_001242784.3, NM_001242785.2 and 4 more transcripts); short protein forms K506*, K653*.
Identifiers: ClinVar variation 983892 (VCV000983892.3), dbSNP rs2090069178, ClinGen allele CA409921735.